The following is an entry in ClinVar:

NM_000535.7(PMS2):c.1244T>C (p.Val415Ala)

Gene: PMS2 (PMS1 homolog 2, mismatch repair system component; minus strand). Cytogenetic location: 7p22.1.
Variant type: single nucleotide variant.
Coding change: c.1244T>C on transcript NM_000535.7 (MANE Select); coding-DNA position 1244, T replaced by C.
Protein change: p.Val415Ala; replaces valine 415 with alanine.
Molecular consequence: missense variant. On other transcripts: non-coding transcript variant (1), intron variant (1).
Genome position (GRCh38, 1-based): chr7:5,987,521, A>G on the plus strand (T>C on the coding strand, the complement: PMS2 is on the minus strand). VCF-style: chr7-5987521-A-G. GRCh37 (hg19) VCF-style: chr7-6027152-A-G.
Other names: c.839T>C, p.Val280Ala (NM_001322003.2, NM_001322004.2, NM_001322005.2 and 16 more transcripts); c.1088T>C, p.Val363Ala (NM_001322006.2, NM_001406870.1); c.779T>C, p.Val260Ala (NM_001406900.1); c.770T>C, p.Val257Ala (NM_001406901.1, NM_001406902.1); c.926T>C, p.Val309Ala (NM_001406903.1, NM_001322007.2, NM_001322008.2 and 2 more transcripts); c.731T>C, p.Val244Ala (NM_001406904.1, NM_001406905.1); c.683T>C, p.Val228Ala (NM_001322010.2, NM_001406906.1, NM_001406907.1); c.311T>C, p.Val104Ala (NM_001322011.2, NM_001322012.2); and 13 more; short protein forms V224A, V244A, V379A, V104A, V257A, V280A, V359A, V423A.
Identifiers: ClinVar variation 3657261 (VCV003657261.2).

ClinVar aggregate classification (germline): Uncertain significance (1 of 4 stars; one submission).

Conditions:
Hereditary nonpolyposis colorectal neoplasms. Identifiers: MedGen C0009405, MeSH D003123.

Submission:

Labcorp Genetics (formerly Invitae), Labcorp
Classification: Uncertain significance for Hereditary nonpolyposis colorectal neoplasms. Last evaluated: 2024-06-21. Review status: criteria provided, single submitter. Criteria: Invitae Variant Classification Sherloc (09022015). Collection method: clinical testing. Allele origin: germline.
Comment: This sequence change replaces valine, which is neutral and non-polar, with alanine, which is neutral and non-polar, at codon 415 of the PMS2 protein (p.Val415Ala). This variant is not present in population databases (gnomAD no frequency). This variant has not been reported in the literature in individuals affected with PMS2-related conditions. Advanced modeling of protein sequence and biophysical properties (such as structural, functional, and spatial information, amino acid conservation, physicochemical variation, residue mobility, and thermodynamic stability) performed at Invitae indicates that this missense variant is not expected to disrupt PMS2 protein function with a negative predictive value of 80%. In summary, the available evidence is currently insufficient to determine the role of this variant in disease. Therefore, it has been classified as a Variant of Uncertain Significance.